The following is an entry in ClinVar:

ClinVar aggregate classification (germline): Benign (0 of 4 stars; one submission).

Conditions:
MYO7B-related disorder. Also called: MYO7B-related condition.

Allele frequency attached by ClinVar (database versions not stated): gnomAD 0.01130; ESP Exome Variant Server 0.01159; TOPMed 0.01260; 1000 Genomes Project 0.01278; 1000 Genomes Project 30x 0.01546.
gnomAD v4.1: 3,561 of 1,593,602 alleles (0.22%); highest among the groups gnomAD compares: African/African-American, 3.8%; 78 homozygotes.

Submission:

PreventionGenetics, part of Exact Sciences
Classification: Benign for MYO7B-related condition. Last evaluated: 2019-04-11. Review status: no assertion criteria provided. Collection method: clinical testing. Allele origin: germline.
Comment: This variant is classified as benign based on ACMG/AMP sequence variant interpretation guidelines (Richards et al. 2015 PMID: 25741868, with internal and published modifications).

NM_001393586.1(MYO7B):c.3869G>A (p.Arg1290Gln)

Gene: MYO7B (myosin VIIB; plus strand). Cytogenetic location: 2q14.3.
Variant type: single nucleotide variant.
Coding change: c.3869G>A on transcript NM_001393586.1 (MANE Select); coding-DNA position 3869, G replaced by A.
Protein change: p.Arg1290Gln; replaces arginine 1290 with glutamine.
Molecular consequence: missense variant.
Genome position (GRCh38, 1-based): chr2:127,624,142, G>A. VCF-style: chr2-127624142-G-A. GRCh37 (hg19) VCF-style: chr2-128381717-G-A.
Other names: c.3791G>A, p.Arg1264Gln (NM_001080527.2); c.350G>A, p.Arg117Gln (NM_001393594.1); short protein forms R117Q, R1264Q, R1290Q.
Identifiers: ClinVar variation 3038394 (VCV003038394.2), dbSNP rs2245408, ClinGen allele CA1861567.